The following is an entry in ClinVar:

ClinVar aggregate classification (germline): Uncertain significance. Review status: criteria provided, single submitter (1 of 4 stars). 2 submissions from 2 submitters: Uncertain significance (1). 1 of the submissions does not count toward it. Last evaluated 2023-12-14.

Conditions:
FBN2-related disorder. Also called: FBN2-related condition.

Submissions (2):

Blueprint Genetics
Classification: Uncertain significance. Last evaluated: 2023-12-14. Review status: criteria provided, single submitter. Criteria: ACMG Guidelines, 2015. Collection method: clinical testing. Allele origin: germline.

PreventionGenetics, part of Exact Sciences
Classification: Likely benign for FBN2-related condition. Last evaluated: 2020-11-24. Review status: no assertion criteria provided. Collection method: clinical testing. Allele origin: germline. Not counted in ClinVar's aggregate classification.
Comment: This variant is classified as likely benign based on ACMG/AMP sequence variant interpretation guidelines (Richards et al. 2015 PMID: 25741868, with internal and published modifications).

NM_001999.4(FBN2):c.-2C>G

Gene: FBN2 (fibrillin 2; minus strand). Cytogenetic location: 5q23.3.
Variant type: single nucleotide variant.
Coding change: c.-2C>G on transcript NM_001999.4 (MANE Select); 2 bases upstream of the start codon, C replaced by G.
Molecular consequence: 5 prime UTR variant.
Genome position (GRCh38, 1-based): chr5:128,537,605, G>C on the plus strand (C>G on the coding strand, the complement: FBN2 is on the minus strand). VCF-style: chr5-128537605-G-C. GRCh37 (hg19) VCF-style: chr5-127873298-G-C.
Identifiers: ClinVar variation 3031193 (VCV003031193.3), dbSNP rs776371080, ClinGen allele CA562720862.